The following is an entry in ClinVar:

ClinVar aggregate classification (germline): Uncertain significance (1 of 4 stars; one submission).

Submission:

Labcorp Genetics (formerly Invitae), Labcorp
Classification: Uncertain significance. Last evaluated: 2025-08-30. Review status: criteria provided, single submitter. Criteria: Invitae Variant Classification Sherloc (09022015). Collection method: clinical testing. Allele origin: germline.
Comment: This sequence change replaces aspartic acid, which is acidic and polar, with tyrosine, which is neutral and polar, at codon 224 of the LRTOMT protein (p.Asp224Tyr). This variant is not present in population databases (gnomAD no frequency). This variant has not been reported in the literature in individuals affected with LRTOMT-related conditions. Invitae Evidence Modeling of protein sequence and biophysical properties (such as structural, functional, and spatial information, amino acid conservation, physicochemical variation, residue mobility, and thermodynamic stability) indicates that this missense variant is not expected to disrupt LRTOMT protein function with a negative predictive value of 80%. Algorithms developed to predict the effect of sequence changes on RNA splicing suggest that this variant may create or strengthen a splice site. In summary, the available evidence is currently insufficient to determine the role of this variant in disease. Therefore, it has been classified as a Variant of Uncertain Significance.

NM_001145308.5(LRTOMT):c.670G>T (p.Asp224Tyr)

Genes: ANAPC15 (anaphase promoting complex subunit 15; minus strand), LRTOMT (leucine rich transmembrane and O-methyltransferase domain containing; plus strand), TOMT (transmembrane O-methyltransferase; plus strand). Cytogenetic location: 11q13.4.
Variant type: single nucleotide variant.
Coding change: c.670G>T on transcript NM_001145308.5; coding-DNA position 670, G replaced by T.
Protein change: p.Asp224Tyr; replaces aspartic acid 224 with tyrosine.
Molecular consequence: missense variant. On other transcripts: 3 prime UTR variant (3), non-coding transcript variant (1), intron variant (7).
Genome position (GRCh38, 1-based): chr11:72,108,719, G>T. VCF-style: chr11-72108719-G-T. GRCh37 (hg19) VCF-style: chr11-71819765-G-T.
Other names: c.571G>T, p.Asp191Tyr (NM_001393500.2); c.670G>T, p.Asp224Tyr (NM_001145309.4); c.550G>T, p.Asp184Tyr (NM_001145310.4); c.*100C>A (NM_001393443.1, NM_001393444.1, NM_001393445.1); c.64-1114C>A (NM_001393459.1); c.319-1114C>A (NM_001393430.1, NM_001393429.1, NM_001393428.1 and 3 more transcripts); short protein forms D184Y, D191Y, D224Y.
Identifiers: ClinVar variation 4742625 (VCV004742625.1).